The following is an entry in ClinVar:

NM_003079.5(SMARCE1):c.386C>A (p.Ser129Tyr)

Gene: SMARCE1 (SWI/SNF related BAF chromatin remodeling complex subunit E1; minus strand). Cytogenetic location: 17q21.2.
Variant type: single nucleotide variant.
Coding change: c.386C>A on transcript NM_003079.5 (MANE Select); coding-DNA position 386, C replaced by A.
Protein change: p.Ser129Tyr; replaces serine 129 with tyrosine.
Molecular consequence: missense variant.
Genome position (GRCh38, 1-based): chr17:40,636,086, G>T on the plus strand (C>A on the coding strand, the complement: SMARCE1 is on the minus strand). VCF-style: chr17-40636086-G-T. GRCh37 (hg19) VCF-style: chr17-38792338-G-T.
Other names: short protein forms S129Y.
Identifiers: ClinVar variation 947222 (VCV000947222.9), dbSNP rs769255223, ClinGen allele CA8545250.

ClinVar aggregate classification (germline): Uncertain significance (1 of 4 stars; one submission).

Conditions:
Familial meningioma. Also called: Meningioma, familial, susceptibility to. Identifiers: Orphanet 263662, MedGen C3551915, MONDO:0011789, OMIM 607174.

Allele frequency attached by ClinVar (database versions not stated): gnomAD exomes below 0.00001 and 0.00001; TOPMed below 0.00001; ExAC 0.00002.
gnomAD v4.1: 3 of 1,607,088 alleles (0.00019%); highest among the groups gnomAD compares: Non-Finnish European, 0.00025%; no homozygotes.

Submission:

Labcorp Genetics (formerly Invitae), Labcorp
Classification: Uncertain significance for Familial meningioma. Last evaluated: 2019-05-15. Review status: criteria provided, single submitter. Criteria: Invitae Variant Classification Sherloc (09022015). Collection method: clinical testing. Allele origin: germline.
Comment: This variant is present in population databases (rs769255223, ExAC 0.003%). This sequence change replaces serine with tyrosine at codon 129 of the SMARCE1 protein (p.Ser129Tyr). The serine residue is highly conserved and there is a large physicochemical difference between serine and tyrosine. This variant has not been reported in the literature in individuals with SMARCE1-related conditions. Algorithms developed to predict the effect of missense changes on protein structure and function are either unavailable or do not agree on the potential impact of this missense change (SIFT: "Deleterious"; PolyPhen-2: "Possibly Damaging"; Align-GVGD: "Class C15"). In summary, the available evidence is currently insufficient to determine the role of this variant in disease. Therefore, it has been classified as a Variant of Uncertain Significance.